The following is an entry in ClinVar:

NM_001394998.1(TANC2):c.3944C>T (p.Ala1315Val)

Genes: TANC2 (tetratricopeptide repeat, ankyrin repeat and coiled-coil containing 2; plus strand), LOC105371856 (uncharacterized LOC105371856; minus strand). Cytogenetic location: 17q23.3.
Variant type: single nucleotide variant.
Coding change: c.3944C>T on transcript NM_001394998.1 (MANE Select); coding-DNA position 3944, C replaced by T.
Protein change: p.Ala1315Val; replaces alanine 1315 with valine.
Molecular consequence: missense variant.
Genome position (GRCh38, 1-based): chr17:63,413,558, C>T. VCF-style: chr17-63413558-C-T. GRCh37 (hg19) VCF-style: chr17-61490919-C-T.
Other names: c.3722C>T, p.Ala1241Val (NM_001411076.1); c.3692C>T, p.Ala1231Val (NM_025185.4); short protein forms A1231V, A1241V, A1315V.
Identifiers: ClinVar variation 2648061 (VCV002648061.24), dbSNP rs2147358645, ClinGen allele CA400537779.

ClinVar aggregate classification (germline): Uncertain significance (1 of 4 stars; one submission).

Allele frequency attached by ClinVar (database versions not stated): gnomAD exomes below 0.00001; gnomAD 0.00001; 1000 Genomes Project 30x 0.00016.
gnomAD v4.1: 3 of 1,597,062 alleles (0.00019%); highest among the groups gnomAD compares: East Asian, 0.0023%; no homozygotes.

Submission:

CeGaT Center for Human Genetics Tuebingen
Classification: Uncertain significance. Last evaluated: 2023-04-01. Review status: criteria provided, single submitter. Criteria: CeGaT Center For Human Genetics Tuebingen Variant Classification Criteria Version 2. Collection method: clinical testing. Allele origin: germline. Affected: yes. Observed: 1 variant allele.
Comment: TANC2: PP3